The following is an entry in ClinVar:

NM_032043.3(BRIP1):c.1278C>T (p.Val426=)

Gene: BRIP1 (BRCA1 interacting DNA helicase 1; minus strand). Cytogenetic location: 17q23.2.
Variant type: single nucleotide variant.
Coding change: c.1278C>T on transcript NM_032043.3 (MANE Select); coding-DNA position 1278, C replaced by T.
Protein change: p.Val426=; no amino-acid change (valine 426 retained).
Molecular consequence: synonymous variant.
Genome position (GRCh38, 1-based): chr17:61,799,162, G>A on the plus strand (C>T on the coding strand, the complement: BRIP1 is on the minus strand). VCF-style: chr17-61799162-G-A. GRCh37 (hg19) VCF-style: chr17-59876523-G-A.
Identifiers: ClinVar variation 3378713 (VCV003378713.2).

ClinVar aggregate classification (germline): Benign/Likely benign. Review status: criteria provided, multiple submitters, no conflicts (2 of 4 stars). 2 submissions from 2 submitters: Benign (1); Likely benign (1). Last evaluated 2026-08-14.

Conditions:
Familial cancer of breast. Also called: Hereditary breast cancer; BREAST CANCER, FAMILIAL; hereditary breast carcinoma. Identifiers: Orphanet 227535, MedGen C0346153, MONDO:0016419, OMIM 114480. Disease mechanism: loss of function.
Hereditary cancer-predisposing syndrome. Also called: Tumor predisposition; Hereditary Cancer Syndrome; Hereditary neoplastic syndrome; Neoplastic Syndromes, Hereditary. Identifiers: Orphanet 140162, MedGen C0027672, MeSH D009386, MONDO:0015356.

Submissions (2):

Ambry Genetics
Classification: Likely benign for Hereditary cancer-predisposing syndrome. Last evaluated: 2026-08-14. Review status: criteria provided, single submitter. Criteria: Ambry Variant Classification Scheme 2023. Collection method: clinical testing. Allele origin: germline.

Myriad Genetics, Inc.
Classification: Benign for Familial cancer of breast. Last evaluated: 2024-08-26. Review status: criteria provided, single submitter. Criteria: Myriad Autosomal Dominant, Autosomal Recessive and X-Linked Classification Criteria (2023). Collection method: clinical testing. Allele origin: unknown.
Comment: This variant is considered benign. This variant is a silent/synonymous amino acid change and it is not expected to impact splicing.